The following is an entry in ClinVar:

NM_032043.3(BRIP1):c.2827G>C (p.Val943Leu)

Gene: BRIP1 (BRCA1 interacting DNA helicase 1; minus strand). Cytogenetic location: 17q23.2.
Variant type: single nucleotide variant.
Coding change: c.2827G>C on transcript NM_032043.3 (MANE Select); coding-DNA position 2827, G replaced by C.
Protein change: p.Val943Leu; replaces valine 943 with leucine.
Molecular consequence: missense variant.
Genome position (GRCh38, 1-based): chr17:61,685,914, C>G on the plus strand (G>C on the coding strand, the complement: BRIP1 is on the minus strand). VCF-style: chr17-61685914-C-G. GRCh37 (hg19) VCF-style: chr17-59763275-C-G.
Other names: short protein forms V943L.
Identifiers: ClinVar variation 575308 (VCV000575308.12), dbSNP rs1401830781, ClinGen allele CA400481425.
Genomic context (GRCh38, chr17:61,685,914, plus strand): 5'-TAATGCTACTTGGTAGAGGTGAATTTTTGGTAATAATTTTAGGACACTGTAGTTCCTGGA[C>G]ACATATCTTTGCTTCATCTTCCACAAAATTTTCTGGTGATAGATGACTTGCTGCTTCCAG-3'
Protein context (NP_114432.2, residues 933-953): NFVEDEAKIC[Val943Leu]QELQCPKIIT

ClinVar aggregate classification (germline): Uncertain significance. Review status: criteria provided, multiple submitters, no conflicts (2 of 4 stars). 2 submissions from 2 submitters: Uncertain significance (2). Last evaluated 2025-07-31.

Conditions:
Fanconi anemia complementation group J. Also called: BRIP1-Related Fanconi Anemia. Identifiers: Orphanet 84, MedGen C1836860, MONDO:0012187, OMIM 609054.
Familial cancer of breast. Also called: hereditary breast carcinoma; BREAST CANCER, FAMILIAL; Hereditary breast cancer. Identifiers: Orphanet 227535, MedGen C0346153, MONDO:0016419, OMIM 114480. Disease mechanism: loss of function.
Hereditary cancer-predisposing syndrome. Also called: Hereditary neoplastic syndrome; Tumor predisposition; Hereditary Cancer Syndrome; Neoplastic Syndromes, Hereditary. Identifiers: Orphanet 140162, MedGen C0027672, MeSH D009386, MONDO:0015356.

gnomAD v4.1: 1 of 1,614,014 alleles (0.000062%); highest among the groups gnomAD compares: Non-Finnish European, 0.000085%; no homozygotes.

Submissions (2):

Labcorp Genetics (formerly Invitae), Labcorp
Classification: Uncertain significance for Familial cancer of breast; Fanconi anemia complementation group J. Last evaluated: 2025-07-31. Review status: criteria provided, single submitter. Criteria: Invitae Variant Classification Sherloc (09022015). Collection method: clinical testing. Allele origin: germline.
Comment: This sequence change replaces valine, which is neutral and non-polar, with leucine, which is neutral and non-polar, at codon 943 of the BRIP1 protein (p.Val943Leu). This variant is present in population databases (no rsID available, gnomAD 0.0009%). This variant has not been reported in the literature in individuals affected with BRIP1-related conditions. ClinVar contains an entry for this variant (Variation ID: 575308). Invitae Evidence Modeling of protein sequence and biophysical properties (such as structural, functional, and spatial information, amino acid conservation, physicochemical variation, residue mobility, and thermodynamic stability) indicates that this missense variant is not expected to disrupt BRIP1 protein function with a negative predictive value of 95%. In summary, the available evidence is currently insufficient to determine the role of this variant in disease. Therefore, it has been classified as a Variant of Uncertain Significance.

Color Diagnostics, LLC DBA Color Health
Classification: Uncertain significance for Hereditary cancer-predisposing syndrome. Last evaluated: 2025-06-09. Review status: criteria provided, single submitter. Criteria: ACMG Guidelines, 2015. Collection method: clinical testing. Allele origin: germline.
Comment: This missense variant replaces valine with leucine at codon 943 of the BRIP1 protein. Computational prediction suggests that this variant may not impact protein structure and function. To our knowledge, functional studies have not been reported for this variant. This variant has not been reported in individuals affected with BRIP1-related disorders in the literature. This variant has been identified in 1/251304 chromosomes in the general population by the Genome Aggregation Database (gnomAD). The available evidence is insufficient to determine the role of this variant in disease conclusively. Therefore, this variant is classified as a Variant of Uncertain Significance.